The following is an entry in ClinVar:

ClinVar aggregate classification (germline): Uncertain significance (1 of 4 stars; one submission).

Conditions:
Brugada syndrome 1 (BRGDA1). Also called: RIGHT BUNDLE BRANCH BLOCK, ST SEGMENT ELEVATION, AND SUDDEN DEATH SYNDROME. Identifiers: Orphanet 130, MedGen C4551804, MONDO:0011001, OMIM 601144.

Allele frequency attached by ClinVar (database versions not stated): gnomAD exomes 0.00016; 1000 Genomes Project 0.00020; ExAC 0.00023; 1000 Genomes Project 30x 0.00031; ESP Exome Variant Server 0.00031; TOPMed 0.00046; gnomAD 0.00052.
gnomAD v4.1: 311 of 1,613,932 alleles (0.019%); highest among the groups gnomAD compares: African/African-American, 0.14%; no homozygotes.

Submission:

Petrovsky National Research Centre of Surgery, The Federal Agency for Scientific Organizations
Classification: Uncertain significance for Brugada syndrome 1. Last evaluated: 2024-06-14. Review status: criteria provided, single submitter. Criteria: ACMG Guidelines, 2015. Collection method: clinical testing. Allele origin: germline. Inheritance: Autosomal dominant inheritance. Affected: yes. Observed: 1 heterozygote.
Comment: The c.664C>T (p.Arg222Cys) genetic variant is in The Genome Aggregation Database (gnomAD) v4.1.0 with total MAF 0.0001927 (Date of access 14-06-2024). Multiple computational resources predict deleterious effect of p.Arg222Cys genetic variant. Based on this evidence, we consider it to classify this variant as a Variant of Uncertain Significance.

NM_170741.4(KCNJ16):c.664C>T (p.Arg222Cys)

Gene: KCNJ16 (potassium inwardly rectifying channel subfamily J member 16; plus strand). Cytogenetic location: 17q24.3.
Variant type: single nucleotide variant.
Coding change: c.664C>T on transcript NM_170741.4 (MANE Select); coding-DNA position 664, C replaced by T.
Protein change: p.Arg222Cys; replaces arginine 222 with cysteine.
Molecular consequence: missense variant.
Genome position (GRCh38, 1-based): chr17:70,132,751, C>T. VCF-style: chr17-70132751-C-T. GRCh37 (hg19) VCF-style: chr17-68128892-C-T.
Other names: p.Arg222Cys; c.664C>T, p.Arg222Cys (NM_001270422.2, NM_001291622.3, NM_001291623.2 and 4 more transcripts); short protein forms R222C.
Identifiers: ClinVar variation 3242413 (VCV003242413.2), dbSNP rs148765286.